The following is an entry in ClinVar:

NM_001369268.1(ACAN):c.1759G>A (p.Glu587Lys)

Gene: ACAN (aggrecan; plus strand). Cytogenetic location: 15q26.1.
Variant type: single nucleotide variant.
Coding change: c.1759G>A on transcript NM_001369268.1 (MANE Select); coding-DNA position 1759, G replaced by A.
Protein change: p.Glu587Lys; replaces glutamic acid 587 with lysine.
Molecular consequence: missense variant.
Genome position (GRCh38, 1-based): chr15:88,849,464, G>A. VCF-style: chr15-88849464-G-A. GRCh37 (hg19) VCF-style: chr15-89392695-G-A.
Other names: c.1759G>A, p.Glu587Lys (NM_001411096.1, NM_001411097.1, NM_013227.4 and 1 more transcripts); c.1759G>A (NM_013227.3); short protein forms E587K.
Identifiers: ClinVar variation 2746922 (VCV002746922.5), dbSNP rs771802121, ClinGen allele CA7719687.

ClinVar aggregate classification (germline): Uncertain significance. Review status: criteria provided, multiple submitters, no conflicts (2 of 4 stars). 2 submissions from 2 submitters: Uncertain significance (2). Last evaluated 2026-07-13.

Conditions:
Inborn genetic diseases. Identifiers: MedGen C0950123, MeSH D030342.

Allele frequency attached by ClinVar (database versions not stated): gnomAD 0.00008; TOPMed 0.00007; ExAC 0.00006; gnomAD exomes 0.00014.
gnomAD v4.1: 206 of 1,603,154 alleles (0.013%); highest among the groups gnomAD compares: Non-Finnish European, 0.017%; no homozygotes.

Submissions (2):

Ambry Genetics
Classification: Uncertain significance for Inborn genetic diseases. Last evaluated: 2026-07-13. Review status: criteria provided, single submitter. Criteria: Ambry Variant Classification Scheme 2023. Collection method: clinical testing. Allele origin: germline.

Labcorp Genetics (formerly Invitae), Labcorp
Classification: Uncertain significance. Last evaluated: 2025-09-30. Review status: criteria provided, single submitter. Criteria: Invitae Variant Classification Sherloc (09022015). Collection method: clinical testing. Allele origin: germline.
Comment: This sequence change replaces glutamic acid, which is acidic and polar, with lysine, which is basic and polar, at codon 587 of the ACAN protein (p.Glu587Lys). This variant is present in population databases (rs771802121, gnomAD 0.02%). This variant has not been reported in the literature in individuals affected with ACAN-related conditions. ClinVar contains an entry for this variant (Variation ID: 2746922). Invitae Evidence Modeling of protein sequence and biophysical properties (such as structural, functional, and spatial information, amino acid conservation, physicochemical variation, residue mobility, and thermodynamic stability) indicates that this missense variant is not expected to disrupt ACAN protein function with a negative predictive value of 80%. In summary, the available evidence is currently insufficient to determine the role of this variant in disease. Therefore, it has been classified as a Variant of Uncertain Significance.